The following is an entry in ClinVar:

NM_213649.2(SFXN4):c.34G>A (p.Gly12Arg)

Genes: SFXN4 (sideroflexin 4; minus strand), LOC130004825 (ATAC-STARR-seq lymphoblastoid silent region 2869; plus strand). Cytogenetic location: 10q26.11.
Variant type: single nucleotide variant.
Coding change: c.34G>A on transcript NM_213649.2 (MANE Select); coding-DNA position 34, G replaced by A.
Protein change: p.Gly12Arg; replaces glycine 12 with arginine.
Molecular consequence: missense variant. On other transcripts: non-coding transcript variant (1).
Genome position (GRCh38, 1-based): chr10:119,165,614, C>T on the plus strand (G>A on the coding strand, the complement: SFXN4 is on the minus strand). VCF-style: chr10-119165614-C-T. GRCh37 (hg19) VCF-style: chr10-120925126-C-T.
Other names: c.34G>A, p.Gly12Arg (NM_213650.1); short protein forms G12R.
Identifiers: ClinVar variation 2065369 (VCV002065369.4), dbSNP rs2493953331, ClinGen allele CA378282451.

ClinVar aggregate classification (germline): Uncertain significance (1 of 4 stars; one submission).

Allele frequency attached by ClinVar (database versions not stated): gnomAD exomes below 0.00001.
gnomAD v4.1: 1 of 1,593,096 alleles (0.000063%); highest among the groups gnomAD compares: Non-Finnish European, 0.000085%; no homozygotes.

Submission:

Labcorp Genetics (formerly Invitae), Labcorp
Classification: Uncertain significance. Last evaluated: 2021-12-29. Review status: criteria provided, single submitter. Criteria: Invitae Variant Classification Sherloc (09022015). Collection method: clinical testing. Allele origin: germline.
Comment: In summary, the available evidence is currently insufficient to determine the role of this variant in disease. Therefore, it has been classified as a Variant of Uncertain Significance. Algorithms developed to predict the effect of missense changes on protein structure and function output the following: SIFT: "Deleterious"; PolyPhen-2: "Probably Damaging"; Align-GVGD: "Class C0". The arginine amino acid residue is found in multiple mammalian species, which suggests that this missense change does not adversely affect protein function. This variant has not been reported in the literature in individuals affected with SFXN4-related conditions. This variant is not present in population databases (gnomAD no frequency). This sequence change replaces glycine, which is neutral and non-polar, with arginine, which is basic and polar, at codon 12 of the SFXN4 protein (p.Gly12Arg).